The following is an entry in ClinVar:

GRCh37/hg19 2q14.1-14.3(chr2:116761476-123897262)x1

Genes: C1QL2 (complement C1q like 2; minus strand), C2orf76 (chromosome 2 open reading frame 76; minus strand), CCDC93 (coiled-coil domain containing 93; minus strand), CLASP1 (cytoplasmic linker associated protein 1; minus strand), DBI (diazepam binding inhibitor, acyl-CoA binding protein; plus strand) and 18 more. Cytogenetic location: 2q14.1-14.3.
Variant type: copy number loss.
Change: copy number 1 (one copy instead of two) of chr2:116,761,476-123,897,262 (7.14 Mb, GRCh37 coordinates, 1-based), cytogenetic band 2q14.1-14.3.
Identifiers: ClinVar variation 1809385 (VCV001809385.1).

ClinVar aggregate classification (germline): Pathogenic (1 of 4 stars; one submission).

Submission:

Quest Diagnostics Nichols Institute San Juan Capistrano
Classification: Pathogenic. Last evaluated: 2021-11-09. Review status: criteria provided, single submitter. Criteria: ACMG/ClinGen CNV Guidelines, 2019. Collection method: clinical testing. Allele origin: unknown.
Comment: The 2q14.1q14.3 deletion includes the GLI2 (OMIM 165230) gene. Haploinsufficiency of GLI2 causes holoprosencephaly-9 (OMIM 610829). The phenotypic spectrum is wide and can range from unaffected carriers to isolated pituitary hormone deficiency, to a mild HPE phenotype including abnormal pituitary gland formation/function, craniofacial dysmorphism, branchial arch anomalies, and polydactyly, to classic overt forebrain cleavage abnormalities resulting in intellectual disability. Incomplete penetrance and variable expressivity are not uncommon (Korda B et al. Am J Med Genet A. 2015 May;167A(5):1121-4. PMID: 25820550). Additionally, heterozygous mutation of GLI2 can also cause autosomal dominant Culler-Jones syndrome (OMIM 615849), which is characterized by hypopituitarism, growth hormone deficiency, and/or postaxial polydactyly. This phenotype is also highly variable with reduced penetrance and some patients may have midline facial defects and developmental delay.